The following is an entry in ClinVar:

NM_018297.4(NGLY1):c.707G>A (p.Trp236Ter)

Gene: NGLY1 (N-glycanase 1; minus strand). Cytogenetic location: 3p24.2.
Variant type: single nucleotide variant.
Coding change: c.707G>A on transcript NM_018297.4 (MANE Select); coding-DNA position 707, G replaced by A.
Protein change: p.Trp236Ter; replaces tryptophan 236 with a stop codon.
Molecular consequence: nonsense.
Genome position (GRCh38, 1-based): chr3:25,739,751, C>T on the plus strand (G>A on the coding strand, the complement: NGLY1 is on the minus strand). VCF-style: chr3-25739751-C-T. GRCh37 (hg19) VCF-style: chr3-25781242-C-T.
Other names: chr3:25781242; c.707G>A, p.Trp236Ter (NM_001145293.2, NM_001145295.2); c.581G>A, p.Trp194Ter (NM_001145294.2); short protein forms W194*, W236*.
Identifiers: ClinVar variation 2663804 (VCV002663804.2), dbSNP rs2470553648, ClinGen allele CA351904386.

ClinVar aggregate classification (germline): Likely pathogenic (1 of 4 stars; one submission).

Conditions:
Congenital disorder of deglycosylation 1. Also called: NGLY1-Related Congenital Disorder of Deglycosylation; NGLY1-deficiency. Identifiers: Orphanet 404454, MedGen CN306977, MONDO:0800044, OMIM 615273.

Submission:

Research Laboratories, P. D. Hinduja Hospital & MRC
Classification: Likely pathogenic for Congenital disorder of deglycosylation 1. Last evaluated: 2022-09-05. Review status: criteria provided, single submitter. Criteria: ACMG Guidelines, 2015. Collection method: clinical testing. Allele origin: inherited. Inheritance: Autosomal recessive inheritance. Affected: yes. Observed: 1 homozygote.
Comment: Transferrin isoform analysis showed a normal distribution which is in keeping with the deglycosylation disorder .

Literature cited by the submitters: DOI 10.3390/cells11071155.